The following is an entry in ClinVar:

NM_001204.7(BMPR2):c.1811G>C (p.Ser604Thr)

Gene: BMPR2 (bone morphogenetic protein receptor type 2; plus strand). Cytogenetic location: 2q33.2.
Variant type: single nucleotide variant.
Coding change: c.1811G>C on transcript NM_001204.7 (MANE Select); coding-DNA position 1811, G replaced by C.
Protein change: p.Ser604Thr; replaces serine 604 with threonine.
Molecular consequence: missense variant.
Genome position (GRCh38, 1-based): chr2:202,555,476, G>C. VCF-style: chr2-202555476-G-C. GRCh37 (hg19) VCF-style: chr2-203420199-G-C.
Other names: short protein forms S604T.
Identifiers: ClinVar variation 3824929 (VCV003824929.1).

ClinVar aggregate classification (germline): Uncertain significance (1 of 4 stars; one submission).

Conditions:
Inborn genetic diseases. Identifiers: MedGen C0950123, MeSH D030342.

Submission:

Ambry Genetics
Classification: Uncertain significance for Inborn genetic diseases. Last evaluated: 2025-02-26. Review status: criteria provided, single submitter. Criteria: Ambry Variant Classification Scheme 2023. Collection method: clinical testing. Allele origin: germline.
Comment: The p.S604T variant (also known as c.1811G>C), located in coding exon 12 of the BMPR2 gene, results from a G to C substitution at nucleotide position 1811. The serine at codon 604 is replaced by threonine, an amino acid with similar properties. This amino acid position is conserved. In addition, the in silico prediction for this alteration is inconclusive. Based on the available evidence, the clinical significance of this variant remains unclear.